The following is an entry in ClinVar:

ClinVar aggregate classification (germline): Likely benign. Review status: criteria provided, single submitter (1 of 4 stars). 2 submissions from 2 submitters: Likely benign (1). 1 of the submissions does not count toward it. Last evaluated 2025-12-17.

Conditions:
MTOR-related disorder. Also called: MTOR-related condition.

Allele frequency attached by ClinVar (database versions not stated): TOPMed below 0.00001.
gnomAD v4.1: 2 of 1,613,620 alleles (0.00012%); no homozygotes.

Submissions (2):

Labcorp Genetics (formerly Invitae), Labcorp
Classification: Likely benign. Last evaluated: 2025-12-17. Review status: criteria provided, single submitter. Criteria: Invitae Variant Classification Sherloc (09022015). Collection method: clinical testing. Allele origin: germline.

PreventionGenetics, part of Exact Sciences
Classification: Likely benign for MTOR-related condition. Last evaluated: 2022-06-07. Review status: no assertion criteria provided. Collection method: clinical testing. Allele origin: germline. Not counted in ClinVar's aggregate classification.
Comment: This variant is classified as likely benign based on ACMG/AMP sequence variant interpretation guidelines (Richards et al. 2015 PMID: 25741868, with internal and published modifications).

NM_004958.4(MTOR):c.3027G>A (p.Arg1009=)

Gene: MTOR (mechanistic target of rapamycin kinase; minus strand). Cytogenetic location: 1p36.22.
Variant type: single nucleotide variant.
Coding change: c.3027G>A on transcript NM_004958.4 (MANE Select); coding-DNA position 3027, G replaced by A.
Protein change: p.Arg1009=; no amino-acid change (arginine 1009 retained).
Molecular consequence: synonymous variant.
Genome position (GRCh38, 1-based): chr1:11,228,671, C>T on the plus strand (G>A on the coding strand, the complement: MTOR is on the minus strand). VCF-style: chr1-11228671-C-T. GRCh37 (hg19) VCF-style: chr1-11288728-C-T.
Other names: c.3027G>A, p.Arg1009= (NM_001386500.1); c.1779G>A, p.Arg593= (NM_001386501.1); c.3027G>A (NM_004958.3).
Identifiers: ClinVar variation 1087845 (VCV001087845.10), dbSNP rs1646924964, ClinGen allele CA415919353.